The following is an entry in ClinVar:

ClinVar aggregate classification (germline): Uncertain significance (1 of 4 stars; one submission).

Conditions:
Beckwith-Wiedemann syndrome (BWS). Also called: EMG SYNDROME; Exomphalos macroglossia gigantism syndrome. Identifiers: Orphanet 116, MedGen C0004903, MONDO:0007534, OMIM 130650.

gnomAD v4.1: 1 of 1,552,494 alleles (0.000064%); no homozygotes.

Submission:

Labcorp Genetics (formerly Invitae), Labcorp
Classification: Uncertain significance for Beckwith-Wiedemann syndrome. Last evaluated: 2022-11-30. Review status: criteria provided, single submitter. Criteria: Invitae Variant Classification Sherloc (09022015). Collection method: clinical testing. Allele origin: germline.
Comment: In summary, the available evidence is currently insufficient to determine the role of this variant in disease. Therefore, it has been classified as a Variant of Uncertain Significance. Advanced modeling of protein sequence and biophysical properties (such as structural, functional, and spatial information, amino acid conservation, physicochemical variation, residue mobility, and thermodynamic stability) performed at Invitae indicates that this missense variant is not expected to disrupt CDKN1C protein function. This variant has not been reported in the literature in individuals affected with CDKN1C-related conditions. This variant is not present in population databases (gnomAD no frequency). This sequence change replaces valine, which is neutral and non-polar, with glycine, which is neutral and non-polar, at codon 25 of the CDKN1C protein (p.Val25Gly).

NM_001122630.2(CDKN1C):c.41T>G (p.Val14Gly)

Gene: CDKN1C (cyclin dependent kinase inhibitor 1C; minus strand). Cytogenetic location: 11p15.4.
Variant type: single nucleotide variant.
Coding change: c.41T>G on transcript NM_001122630.2 (MANE Select); coding-DNA position 41, T replaced by G.
Protein change: p.Val14Gly; replaces valine 14 with glycine.
Molecular consequence: missense variant.
Genome position (GRCh38, 1-based): chr11:2,885,416, A>C on the plus strand (T>G on the coding strand, the complement: CDKN1C is on the minus strand). VCF-style: chr11-2885416-A-C. GRCh37 (hg19) VCF-style: chr11-2906646-A-C.
Other names: c.74T>G, p.Val25Gly (NM_000076.2, NM_001362474.2); c.41T>G, p.Val14Gly (NM_001122631.2, NM_001362475.2); short protein forms V25G, V14G.
Identifiers: ClinVar variation 3004315 (VCV003004315.3), dbSNP rs752482298, ClinGen allele CA5822245.
Genomic context (GRCh38, chr11:2,885,416, plus strand): 5'-TCGCGGCTCAGCTCCTCGTGGTCCACCGGCCCGAAGAGGCTGCGGCAGGCGCTGGTGCGC[A>C]CTAGTACTGGGAAGGTCCCACGGGCGACAAGACGCTCCATCGTGGATGTGCTGCGGAGGG-3'
Protein context (NP_001116102.1, residues 4-24): LVARGTFPVL[Val14Gly]RTSACRSLFG